The following is an entry in ClinVar:

NM_005546.4(ITK):c.176G>A (p.Arg59Gln)

Gene: ITK (IL2 inducible T cell kinase; plus strand). Cytogenetic location: 5q33.3.
Variant type: single nucleotide variant.
Coding change: c.176G>A on transcript NM_005546.4 (MANE Select); coding-DNA position 176, G replaced by A.
Protein change: p.Arg59Gln; replaces arginine 59 with glutamine.
Molecular consequence: missense variant.
Genome position (GRCh38, 1-based): chr5:157,208,926, G>A. VCF-style: chr5-157208926-G-A. GRCh37 (hg19) VCF-style: chr5-156635937-G-A.
Other names: short protein forms R59Q.
Identifiers: ClinVar variation 1059196 (VCV001059196.7), dbSNP rs757740059, ClinGen allele CA3532653.

ClinVar aggregate classification (germline): Uncertain significance (1 of 4 stars; one submission).

Conditions:
Lymphoproliferative syndrome 1 (LPFS1). Identifiers: Orphanet 238505, Orphanet 538963, MedGen C3552634, MONDO:0013081, OMIM 613011.

Allele frequency attached by ClinVar (database versions not stated): ExAC 0.00001; gnomAD 0.00001; gnomAD exomes 0.00001; TOPMed 0.00001.
gnomAD v4.1: 12 of 1,613,892 alleles (0.00074%); highest among the groups gnomAD compares: African/African-American, 0.0027%; no homozygotes.

Submission:

Labcorp Genetics (formerly Invitae), Labcorp
Classification: Uncertain significance for Lymphoproliferative syndrome 1. Last evaluated: 2024-12-16. Review status: criteria provided, single submitter. Criteria: Invitae Variant Classification Sherloc (09022015). Collection method: clinical testing. Allele origin: germline.
Comment: This sequence change replaces arginine, which is basic and polar, with glutamine, which is neutral and polar, at codon 59 of the ITK protein (p.Arg59Gln). This variant is present in population databases (rs757740059, gnomAD 0.003%). This variant has not been reported in the literature in individuals affected with ITK-related conditions. ClinVar contains an entry for this variant (Variation ID: 1059196). Invitae Evidence Modeling of protein sequence and biophysical properties (such as structural, functional, and spatial information, amino acid conservation, physicochemical variation, residue mobility, and thermodynamic stability) indicates that this missense variant is not expected to disrupt ITK protein function with a negative predictive value of 95%. In summary, the available evidence is currently insufficient to determine the role of this variant in disease. Therefore, it has been classified as a Variant of Uncertain Significance.